The following is an entry in ClinVar:

NM_018993.4(RIN2):c.2191C>T (p.His731Tyr)

Gene: RIN2 (Ras and Rab interactor 2; plus strand). Cytogenetic location: 20p11.23.
Variant type: single nucleotide variant.
Coding change: c.2191C>T on transcript NM_018993.4 (MANE Select); coding-DNA position 2191, C replaced by T.
Protein change: p.His731Tyr; replaces histidine 731 with tyrosine.
Molecular consequence: missense variant.
Genome position (GRCh38, 1-based): chr20:19,992,290, C>T. VCF-style: chr20-19992290-C-T. GRCh37 (hg19) VCF-style: chr20-19972934-C-T.
Other names: c.2338C>T, p.His780Tyr (NM_001242581.2); c.1573C>T, p.His525Tyr (NM_001378238.1); short protein forms H780Y, H731Y, H525Y.
Identifiers: ClinVar variation 1994286 (VCV001994286.4), dbSNP rs1264255288, ClinGen allele CA408366263.

ClinVar aggregate classification (germline): Uncertain significance (1 of 4 stars; one submission).

Allele frequency attached by ClinVar (database versions not stated): gnomAD exomes 0.00001.
gnomAD v4.1: 3 of 1,564,224 alleles (0.00019%); highest among the groups gnomAD compares: Non-Finnish European, 0.00026%; no homozygotes.

Submission:

Labcorp Genetics (formerly Invitae), Labcorp
Classification: Uncertain significance. Last evaluated: 2025-11-04. Review status: criteria provided, single submitter. Criteria: Invitae Variant Classification Sherloc (09022015). Collection method: clinical testing. Allele origin: germline.
Comment: This sequence change replaces histidine, which is basic and polar, with tyrosine, which is neutral and polar, at codon 731 of the RIN2 protein (p.His731Tyr). This variant is not present in population databases (gnomAD no frequency). This variant has not been reported in the literature in individuals affected with RIN2-related conditions. ClinVar contains an entry for this variant (Variation ID: 1994286). Experimental studies and prediction algorithms are not available or were not evaluated, and the functional significance of this variant is currently unknown. In summary, the available evidence is currently insufficient to determine the role of this variant in disease. Therefore, it has been classified as a Variant of Uncertain Significance.